The following is an entry in ClinVar:

NM_152468.5(TMC8):c.114del (p.Leu39fs)

Genes: TMC6 (transmembrane channel like 6; minus strand), TMC8 (transmembrane channel like 8; plus strand), LOC130061792 (ATAC-STARR-seq lymphoblastoid silent region 9043; plus strand). Cytogenetic location: 17q25.3.
Variant type: Deletion.
Coding change: c.114del on transcript NM_152468.5 (MANE Select); coding-DNA position 114, one base deleted (G; older notation c.114delG).
Protein change: p.Leu39fs; shifts the reading frame from leucine 39.
Molecular consequence: frameshift variant. On other transcripts: intron variant (1).
Genome position (GRCh38, 1-based): chr17:78,131,702, G deleted; the last of 3 consecutive G bases (chr17:78,131,700-78,131,702); deleting any one gives the same sequence. VCF-style (leftmost placement, unchanged base first): chr17-78131699-CG-C. GRCh37 (hg19) VCF-style: chr17-76127780-CG-C.
Other names: c.-75+641del (NM_007267.7); short protein forms L39fs.
Identifiers: ClinVar variation 3656047 (VCV003656047.2).

ClinVar aggregate classification (germline): Pathogenic (1 of 4 stars; one submission).

Conditions:
Epidermodysplasia verruciformis. Identifiers: Orphanet 302, MedGen C0014522, MONDO:0009176.

Submission:

Labcorp Genetics (formerly Invitae), Labcorp
Classification: Pathogenic for Epidermodysplasia verruciformis. Last evaluated: 2024-10-21. Review status: criteria provided, single submitter. Criteria: Invitae Variant Classification Sherloc (09022015). Collection method: clinical testing. Allele origin: germline.
Comment: This sequence change creates a premature translational stop signal (p.Leu39Cysfs*5) in the TMC8 gene. It is expected to result in an absent or disrupted protein product. Loss-of-function variants in TMC8 are known to be pathogenic (PMID: 12426567, 22158547). This variant is not present in population databases (gnomAD no frequency). This variant has not been reported in the literature in individuals affected with TMC8-related conditions. For these reasons, this variant has been classified as Pathogenic.

Literature cited by the submitters: PubMed 12426567; PubMed 22158547.